The following is an entry in ClinVar:

ClinVar aggregate classification (germline): Uncertain significance (1 of 4 stars; one submission).

Submission:

GeneDx
Classification: Uncertain significance. Last evaluated: 2021-11-17. Review status: criteria provided, single submitter. Criteria: GeneDx Variant Classification Process June 2021. Collection method: clinical testing. Allele origin: germline. Affected: yes.
Comment: Not observed at significant frequency in large population cohorts (gnomAD); In silico analysis supports that this variant does not alter splicing; Has not been previously published as pathogenic or benign to our knowledge

NM_012330.4(KAT6B):c.5469A>G (p.Leu1823=)

Gene: KAT6B (lysine acetyltransferase 6B; plus strand). Cytogenetic location: 10q22.2.
Variant type: single nucleotide variant.
Coding change: c.5469A>G on transcript NM_012330.4 (MANE Select); coding-DNA position 5469, A replaced by G.
Protein change: p.Leu1823=; no amino-acid change (leucine 1823 retained).
Molecular consequence: synonymous variant.
Genome position (GRCh38, 1-based): chr10:75,030,293, A>G. VCF-style: chr10-75030293-A-G. GRCh37 (hg19) VCF-style: chr10-76790051-A-G.
Other names: c.4920A>G, p.Leu1640= (NM_001256468.2, NM_001370138.1); c.4593A>G, p.Leu1531= (NM_001256469.2, NM_001370139.1, NM_001370140.1 and 2 more transcripts); c.4431A>G, p.Leu1477= (NM_001370132.1); c.3780A>G, p.Leu1260= (NM_001370133.1); c.3384A>G, p.Leu1128= (NM_001370134.1); c.3126A>G, p.Leu1042= (NM_001370135.1); c.5469A>G, p.Leu1823= (NM_001370136.1, NM_001370137.1); c.4404A>G, p.Leu1468= (NM_001370143.1, NM_001370144.1).
Identifiers: ClinVar variation 1686711 (VCV001686711.2), dbSNP rs2134249634, ClinGen allele CA470300900.
Genomic context (GRCh38, chr10:75,030,293, plus strand): 5'-TGGGGCTGGGCATTACCCGCAGCCGTCAGCCACCTTCAGCCTTGCCAAACTGCAGCAGTT[A>G]ACTAATACACTTATTGATCATTCATTGCCTTACAGCCATTCCGCTGCTGTGACTTCCTAT-3'
Protein context (NP_036462.2, residues 1813-1833): ATFSLAKLQQ[Leu1823=]TNTLIDHSLP